The following is an entry in ClinVar:

NM_022081.6(HPS4):c.1546C>T (p.Gln516Ter)

Gene: HPS4 (HPS4 biogenesis of lysosomal organelles complex 3 subunit 2; minus strand). Cytogenetic location: 22q12.1.
Variant type: single nucleotide variant.
Coding change: c.1546C>T on transcript NM_022081.6 (MANE Select); coding-DNA position 1546, C replaced by T.
Protein change: p.Gln516Ter; replaces glutamine 516 with a stop codon.
Molecular consequence: nonsense. On other transcripts: non-coding transcript variant (8).
Genome position (GRCh38, 1-based): chr22:26,464,084, G>A on the plus strand (C>T on the coding strand, the complement: HPS4 is on the minus strand). VCF-style: chr22-26464084-G-A. GRCh37 (hg19) VCF-style: chr22-26860050-G-A.
Other names: NR_146316.2:n.2134C>T; c.1546C>T, p.Gln516Ter (NM_001349896.1, NM_001349898.2, NM_001349899.2 and 5 more transcripts); c.1600C>T, p.Gln534Ter (NM_001349900.2, NM_001349901.1); c.1531C>T, p.Gln511Ter (NM_152841.2); short protein forms Q511*, Q516*, Q534*.
Identifiers: ClinVar variation 2412666 (VCV002412666.13), dbSNP rs372833027, ClinGen allele CA10163291.

ClinVar aggregate classification (germline): Pathogenic/Likely pathogenic. Review status: criteria provided, multiple submitters, no conflicts (2 of 4 stars). 5 submissions from 5 submitters: Pathogenic (2); Likely pathogenic (3). Last evaluated 2025-11-11.

Conditions:
HPS4-related disorders.
Hermansky-Pudlak syndrome 4 (HPS4). Identifiers: Orphanet 231500, Orphanet 79430, MedGen C3484357, MONDO:0013556, OMIM 614073.
HPS4-related disorder. Also called: HPS4-related condition.

Allele frequency attached by ClinVar (database versions not stated): ExAC 0.00001; gnomAD exomes 0.00002; ESP Exome Variant Server 0.00008.
gnomAD v4.1: 32 of 1,614,290 alleles (0.002%); highest among the groups gnomAD compares: Non-Finnish European, 0.0024%; no homozygotes.

Submissions (5):

Labcorp Genetics (formerly Invitae), Labcorp
Classification: Pathogenic. Last evaluated: 2025-11-11. Review status: criteria provided, single submitter. Criteria: Invitae Variant Classification Sherloc (09022015). Collection method: clinical testing. Allele origin: germline.
Comment: This sequence change creates a premature translational stop signal (p.Gln516*) in the HPS4 gene. It is expected to result in an absent or disrupted protein product. Loss-of-function variants in HPS4 are known to be pathogenic (PMID: 12664304). This variant is present in population databases (rs372833027, gnomAD 0.002%). This premature translational stop signal has been observed in individual(s) with Hermansky–Pudlak syndrome (PMID: 31898847). ClinVar contains an entry for this variant (Variation ID: 2412666). For these reasons, this variant has been classified as Pathogenic.

Broad Center for Mendelian Genomics, Broad Institute of MIT and Harvard
Classification: Likely pathogenic for Hermansky-Pudlak syndrome 4. Last evaluated: 2025-05-06. Review status: criteria provided, single submitter. Criteria: ACMG Guidelines, 2015. Collection method: curation. Allele origin: germline. Inheritance: Autosomal recessive inheritance.
Comment: The p.Gln516Ter variant in HPS4 has been reported, in the compound heterozygous state, in 1 individual with Hermansky-Pudlak syndrome 4 (PMID: 31898847), and has been identified in 0.002% (28/1180054) of European (non-Finnish) chromosomes by the Genome Aggregation Database (gnomAD; dbSNP ID: rs372833027). Although this variant has been seen in the general population in a heterozygous state, its frequency is low enough to be consistent with a recessive carrier frequency. This variant has also been reported in ClinVar (Variation ID: 2412666) and has been interpreted as pathogenic by Labcorp Genetics, Baylor Genetics, and Fulgent Genetics. This nonsense variant leads to a premature termination codon at position 516, which is predicted to lead to a truncated or absent protein. Loss of function of the HPS4 gene is an established disease mechanism in autosomal recessive Hermansky-Pudlak syndrome 4. In summary, although additional studies are required to fully establish its clinical significance, this variant is likely pathogenic for autosomal recessive Hermansky-Pudlak syndrome 4. ACMG/AMP Criteria applied: PVS1, PM2_supporting (Richards 2015).

PreventionGenetics, part of Exact Sciences
Classification: Likely pathogenic for HPS4-related condition. Last evaluated: 2024-10-25. Review status: criteria provided, single submitter. Criteria: ACMG Guidelines, 2015. Collection method: clinical testing. Allele origin: germline.
Comment: The HPS4 c.1546C>T variant is predicted to result in premature protein termination (p.Gln516*). This variant was reported in an individual with Hermansky-Pudlak syndrome (Huizing et al. 2020. PubMed ID: 31898847). This variant is reported in 0.0018% of alleles in individuals of European (Non-Finnish) descent in gnomAD. Nonsense variants in HPS4 are expected to be pathogenic. This variant is interpreted as likely pathogenic.

Blueprint Genetics
Classification: Likely pathogenic for HPS4-related disorders. Last evaluated: 2024-08-27. Review status: criteria provided, single submitter. Criteria: ACMG Guidelines, 2015. Collection method: clinical testing. Allele origin: germline. Affected: yes. Observed: 2 variant alleles.

Fulgent Genetics
Classification: Pathogenic for Hermansky-Pudlak syndrome 4. Last evaluated: 2024-02-29. Review status: criteria provided, single submitter. Criteria: ACMG Guidelines, 2015. Collection method: clinical testing. Allele origin: germline.

Literature cited by the submitters: PubMed 12664304 (cited by Labcorp Genetics (formerly Invitae), Labcorp); PubMed 31898847 (cited by Labcorp Genetics (formerly Invitae), Labcorp).